The following is an entry in ClinVar:

GRCh37/hg19 Xp21.1(chrX:31871411-31952468)x0

Gene: DMD (dystrophin; minus strand). Cytogenetic location: Xp21.1.
Variant type: copy number loss.
Change: copy number 0 of chrX:31,871,411-31,952,468 (81.1 kb, GRCh37 coordinates, 1-based), cytogenetic band Xp21.1.
Identifiers: ClinVar variation 2684619 (VCV002684619.1).

ClinVar aggregate classification (germline): Pathogenic (1 of 4 stars; one submission).

Submission:

Quest Diagnostics Nichols Institute San Juan Capistrano
Classification: Pathogenic. Last evaluated: 2023-05-08. Review status: criteria provided, single submitter. Criteria: ACMG/ClinGen CNV Guidelines, 2019. Collection method: clinical testing. Allele origin: unknown.
Comment: The copy number loss of Xp21.1 involves three exons (exons 46-48; NM_004006.3) of DMD (OMIM 300377), which is predicted to be an out-of-frame deletion. Intragenic deletions and duplications as well as pathogenic sequence variants of DMD are associated with X-linked recessive Duchenne muscular dystrophy (DMD; OMIM 310200). Sequence variants in DMD have also been associated with dilated cardiomyopathy 3B (OMIM 302045). Based on current medical literature and gene content, this copy number variant (CNV) is interpreted as pathogenic.